The following is an entry in ClinVar:

ClinVar aggregate classification (germline): Likely pathogenic (1 of 4 stars; one submission).

Conditions:
beta Thalassemia (BTHAL). Also called: Cooley's anemia; Erythroblastic anemia; Mediterranean anemia. Identifiers: Orphanet 848, MedGen C0005283, MONDO:0019402. Disease mechanism: loss of function.

Submission:

Natera, Inc.
Classification: Likely pathogenic for Beta thalassemia. Last evaluated: 2025-07-22. Review status: criteria provided, single submitter. Criteria: Natera Variant Classification Schema (03/2026). Collection method: clinical testing. Allele origin: germline.
Comment: The c.36dup variant in HBB is a frameshift variant predicted to shift the reading frame beginning at codon 13 and leads to a stop codon 11 codons downstream. This variant is expected to result in nonsense mediated decay, truncation, or a dysfunctional protein product. This variant is rare in the general population with a frequency below the threshold expected for the associated phenotype(s). Given the available evidence, this variant is classified as Likely Pathogenic.

NM_000518.5(HBB):c.36dup (p.Thr13fs)

Genes: HBB (hemoglobin subunit beta; minus strand), LOC106099062 (HBB recombination region; plus strand), LOC107133510 (origin of replication at HBB; plus strand). Cytogenetic location: 11p15.4.
Variant type: Duplication.
Coding change: c.36dup on transcript NM_000518.5 (MANE Select); coding-DNA position 36, one base duplicated (T; older notation c.36dupT).
Protein change: p.Thr13fs; shifts the reading frame from threonine 13.
Molecular consequence: frameshift variant.
Genome position (GRCh38, 1-based): chr11:5,226,986, A duplicated on the plus strand (T on the coding strand, the reverse complement: HBB is on the minus strand); the first of 2 consecutive A bases (chr11:5,226,986-5,226,987); duplicating either gives the same sequence. VCF-style (leftmost placement, unchanged base first): chr11-5226985-T-TA. GRCh37 (hg19) VCF-style: chr11-5248215-T-TA.
Other names: short protein forms T13fs.
Identifiers: ClinVar variation 4818704 (VCV004818704.1).